The following is an entry in ClinVar:

NM_198578.4(LRRK2):c.4783T>A (p.Leu1595Met)

Gene: LRRK2 (leucine rich repeat kinase 2; plus strand). Cytogenetic location: 12q12.
Variant type: single nucleotide variant.
Coding change: c.4783T>A on transcript NM_198578.4 (MANE Select); coding-DNA position 4783, T replaced by A.
Protein change: p.Leu1595Met; replaces leucine 1595 with methionine.
Molecular consequence: missense variant.
Genome position (GRCh38, 1-based): chr12:40,315,256, T>A. VCF-style: chr12-40315256-T-A. GRCh37 (hg19) VCF-style: chr12-40709058-T-A.
Other names: short protein forms L1595M.
Identifiers: ClinVar variation 2561225 (VCV002561225.2), dbSNP rs2499852987, ClinGen allele CA384419271.

ClinVar aggregate classification (germline): Uncertain significance (1 of 4 stars; one submission).

Conditions:
Inborn genetic diseases. Identifiers: MedGen C0950123, MeSH D030342.

Submission:

Ambry Genetics
Classification: Uncertain significance for Inborn genetic diseases. Last evaluated: 2023-03-15. Review status: criteria provided, single submitter. Criteria: Ambry Variant Classification Scheme 2023. Collection method: clinical testing. Allele origin: germline.
Comment: The p.L1595M variant (also known as c.4783T>A), located in coding exon 33 of the LRRK2 gene, results from a T to A substitution at nucleotide position 4783. The leucine at codon 1595 is replaced by methionine, an amino acid with highly similar properties. This amino acid position is conserved. In addition, the in silico prediction for this alteration is inconclusive. Since supporting evidence is limited at this time, the clinical significance of this alteration remains unclear.